The following is an entry in ClinVar:

NM_031483.7(ITCH):c.465A>G (p.Thr155=)

Gene: ITCH (itchy E3 ubiquitin protein ligase; plus strand). Cytogenetic location: 20q11.22.
Variant type: single nucleotide variant.
Coding change: c.465A>G on transcript NM_031483.7 (MANE Select); coding-DNA position 465, A replaced by G.
Protein change: p.Thr155=; no amino-acid change (threonine 155 retained).
Molecular consequence: synonymous variant.
Genome position (GRCh38, 1-based): chr20:34,413,869, A>G. VCF-style: chr20-34413869-A-G. GRCh37 (hg19) VCF-style: chr20-33001675-A-G.
Other names: c.465A>G, p.Thr155= (NM_001257137.3, NM_001324197.2, NM_001324198.2); c.135A>G, p.Thr45= (NM_001257138.3); c.465A>G (NM_031483.6).
Identifiers: ClinVar variation 1590955 (VCV001590955.11), dbSNP rs868361524, ClinGen allele CA313408849.

ClinVar aggregate classification (germline): Likely benign. Review status: criteria provided, multiple submitters, no conflicts (2 of 4 stars). 3 submissions from 3 submitters: Likely benign (2). 1 of the submissions does not count toward it. Last evaluated 2025-10-23.

Conditions:
Syndromic multisystem autoimmune disease due to ITCH deficiency. Also called: AUTOIMMUNE DISEASE, MULTISYSTEM, WITH FACIAL DYSMORPHISM. Identifiers: Orphanet 228426, MedGen C3150649, MONDO:0013245, OMIM 613385.
ITCH-related disorder. Also called: ITCH-related condition.

Allele frequency attached by ClinVar (database versions not stated): gnomAD 0.00001; gnomAD exomes 0.00001; TOPMed 0.00001.
gnomAD v4.1: 14 of 1,613,356 alleles (0.00087%); highest among the groups gnomAD compares: Middle Eastern, 0.17%; no homozygotes.

Submissions (3):

Labcorp Genetics (formerly Invitae), Labcorp
Classification: Likely benign for Syndromic multisystem autoimmune disease due to ITCH deficiency. Last evaluated: 2025-10-23. Review status: criteria provided, single submitter. Criteria: Invitae Variant Classification Sherloc (09022015). Collection method: clinical testing. Allele origin: germline.

Breakthrough Genomics
Classification: Likely benign. Review status: criteria provided, single submitter. Criteria: ACMG Guidelines, 2015. Collection method: not provided. Allele origin: germline. Inheritance: Autosomal recessive inheritance. Affected: yes.

PreventionGenetics, part of Exact Sciences
Classification: Likely benign for ITCH-related condition. Last evaluated: 2019-02-21. Review status: no assertion criteria provided. Collection method: clinical testing. Allele origin: germline. Not counted in ClinVar's aggregate classification.
Comment: This variant is classified as likely benign based on ACMG/AMP sequence variant interpretation guidelines (Richards et al. 2015 PMID: 25741868, with internal and published modifications).